The following is an entry in ClinVar:

NM_016239.4(MYO15A):c.4483-6G>A

Gene: MYO15A (myosin XVA; plus strand). Cytogenetic location: 17p11.2.
Variant type: single nucleotide variant.
Coding change: c.4483-6G>A on transcript NM_016239.4 (MANE Select); 6 bases into the intron before coding-DNA position 4483, G replaced by A.
Molecular consequence: intron variant.
Genome position (GRCh38, 1-based): chr17:18,135,705, G>A. VCF-style: chr17-18135705-G-A. GRCh37 (hg19) VCF-style: chr17-18039019-G-A.
Identifiers: ClinVar variation 504989 (VCV000504989.7), dbSNP rs771397877, ClinGen allele CA8423912.
Genomic context (GRCh38, chr17:18,135,705, plus strand): 5'-TTTTCATATGAACTTTAAATTTAGCCTATCTAGTTCAAAGCACATTCCTGTTGGTATTTT[G>A]CATAGACGGATGCACAGGAGGTGGCCTCAGTGGTGAGTGCCCGAGAGATCCAGGCCGTGG-3'

ClinVar aggregate classification (germline): Conflicting classifications of pathogenicity. Review status: criteria provided, conflicting classifications (1 of 4 stars). 2 submissions from 2 submitters: Uncertain significance (1); Likely benign (1). Last evaluated 2025-01-30.

Allele frequency attached by ClinVar (database versions not stated): gnomAD 0.00002 and 0.00003; gnomAD exomes 0.00002; ExAC 0.00003; TOPMed 0.00003.

Submissions (2):

Labcorp Genetics (formerly Invitae), Labcorp
Classification: Likely benign. Last evaluated: 2025-01-30. Review status: criteria provided, single submitter. Criteria: Invitae Variant Classification Sherloc (09022015). Collection method: clinical testing. Allele origin: germline.

Laboratory for Molecular Medicine, Mass General Brigham Personalized Medicine
Classification: Uncertain significance. Last evaluated: 2016-04-25. Review status: criteria provided, single submitter. Criteria: LMM Criteria. Collection method: clinical testing. Allele origin: germline. Observed: 1 variant allele.
Comment: The c.4483-6G>A variant in MYO15A has not been previously reported in individual s with hearing loss, but has been identified in 4/64942 European chromosomes by the Exome Aggregation Consortium (ExAC; dbSNP rs 771397877). Although this variant has been seen in the general population, its f requency is not high enough to rule out a pathogenic role. This variant is locat ed in the 3' splice region. Computational tools do not suggest an impact to spli cing. However, this information is not predictive enough to rule out pathogenici ty. In summary, the clinical significance of the c.4483-6G>A variant is uncertai n.